The following is an entry in ClinVar:

NM_001844.5(COL2A1):c.932G>A (p.Ser311Asn)

Gene: COL2A1 (collagen type II alpha 1 chain; minus strand). Cytogenetic location: 12q13.11.
Variant type: single nucleotide variant.
Coding change: c.932G>A on transcript NM_001844.5 (MANE Select); coding-DNA position 932, G replaced by A.
Protein change: p.Ser311Asn; replaces serine 311 with asparagine.
Molecular consequence: missense variant.
Genome position (GRCh38, 1-based): chr12:47,993,495, C>T on the plus strand (G>A on the coding strand, the complement: COL2A1 is on the minus strand). VCF-style: chr12-47993495-C-T. GRCh37 (hg19) VCF-style: chr12-48387278-C-T.
Other names: c.725G>A, p.Ser242Asn (NM_033150.3); short protein forms S242N, S311N.
Identifiers: ClinVar variation 1523232 (VCV001523232.8), dbSNP rs2136607964, ClinGen allele CA384521826.
Genomic context (GRCh38, chr12:47,993,495, plus strand): 5'-TCCTGGAGGGTGTCCATACTTACCATTGGGCCCGGAGATCCGTTCTCACCCGGGGAACCA[C>T]TCTCACCCTGGAAAAATGATGCACAAGGTCAGTGTCTGGGACCCCATTCTTGGCCGCCAG-3'
Protein context (NP_001835.3, residues 301-321): EAGAPGVKGE[Ser311Asn]GSPGENGSPG

ClinVar aggregate classification (germline): Uncertain significance (1 of 4 stars; one submission).

Submission:

Labcorp Genetics (formerly Invitae), Labcorp
Classification: Uncertain significance. Last evaluated: 2020-10-28. Review status: criteria provided, single submitter. Criteria: Invitae Variant Classification Sherloc (09022015). Collection method: clinical testing. Allele origin: germline.
Comment: In summary, the available evidence is currently insufficient to determine the role of this variant in disease. Therefore, it has been classified as a Variant of Uncertain Significance. Advanced modeling of protein sequence and biophysical properties (such as structural, functional, and spatial information, amino acid conservation, physicochemical variation, residue mobility, and thermodynamic stability) performed at Invitae indicates that this missense variant is not expected to disrupt COL2A1 protein function. This variant has not been reported in the literature in individuals with COL2A1-related conditions. This variant is not present in population databases (ExAC no frequency). This sequence change replaces serine with asparagine at codon 311 of the COL2A1 protein (p.Ser311Asn). The serine residue is moderately conserved and there is a small physicochemical difference between serine and asparagine.